The following is an entry in ClinVar:

NM_000170.3(GLDC):c.443T>C (p.Leu148Ser)

Gene: GLDC (glycine decarboxylase; minus strand). Cytogenetic location: 9p24.1.
Variant type: single nucleotide variant.
Coding change: c.443T>C on transcript NM_000170.3 (MANE Select); coding-DNA position 443, T replaced by C.
Protein change: p.Leu148Ser; replaces leucine 148 with serine.
Molecular consequence: missense variant.
Genome position (GRCh38, 1-based): chr9:6,620,211, A>G on the plus strand (T>C on the coding strand, the complement: GLDC is on the minus strand). VCF-style: chr9-6620211-A-G. GRCh37 (hg19) VCF-style: chr9-6620211-A-G.
Other names: short protein forms L148S.
Identifiers: ClinVar variation 947767 (VCV000947767.10), dbSNP rs1819059273, ClinGen allele CA372879236.

ClinVar aggregate classification (germline): Uncertain significance (1 of 4 stars; one submission).

Conditions:
Glycine encephalopathy. Also called: Nonketotic hyperglycinemia; Non-ketotic hyperglycinemia. Identifiers: Orphanet 407, MedGen C0751748, MONDO:0011612, HP:0008288.

Submission:

Labcorp Genetics (formerly Invitae), Labcorp
Classification: Uncertain significance for Glycine encephalopathy. Last evaluated: 2022-05-16. Review status: criteria provided, single submitter. Criteria: Invitae Variant Classification Sherloc (09022015). Collection method: clinical testing. Allele origin: germline.
Comment: ClinVar contains an entry for this variant (Variation ID: 947767). In summary, the available evidence is currently insufficient to determine the role of this variant in disease. Therefore, it has been classified as a Variant of Uncertain Significance. Advanced modeling of protein sequence and biophysical properties (such as structural, functional, and spatial information, amino acid conservation, physicochemical variation, residue mobility, and thermodynamic stability) performed at Invitae indicates that this missense variant is not expected to disrupt GLDC protein function. This variant has not been reported in the literature in individuals affected with GLDC-related conditions. This variant is not present in population databases (gnomAD no frequency). This sequence change replaces leucine, which is neutral and non-polar, with serine, which is neutral and polar, at codon 148 of the GLDC protein (p.Leu148Ser).